The following is an entry in ClinVar:

ClinVar aggregate classification (germline): Uncertain significance (1 of 4 stars; one submission).

Allele frequency attached by ClinVar (database versions not stated): TOPMed 0.00002; ESP Exome Variant Server 0.00008.

Submission:

Labcorp Genetics (formerly Invitae), Labcorp
Classification: Uncertain significance. Last evaluated: 2022-05-03. Review status: criteria provided, single submitter. Criteria: Invitae Variant Classification Sherloc (09022015). Collection method: clinical testing. Allele origin: germline.
Comment: This sequence change replaces arginine, which is basic and polar, with leucine, which is neutral and non-polar, at codon 136 of the GTPBP3 protein (p.Arg136Leu). This variant is present in population databases (rs376384130, gnomAD 0.03%). This variant has not been reported in the literature in individuals affected with GTPBP3-related conditions. Algorithms developed to predict the effect of missense changes on protein structure and function are either unavailable or do not agree on the potential impact of this missense change (SIFT: "Deleterious"; PolyPhen-2: "Probably Damaging"; Align-GVGD: "Class C0"). In summary, the available evidence is currently insufficient to determine the role of this variant in disease. Therefore, it has been classified as a Variant of Uncertain Significance.

NM_032620.4(GTPBP3):c.407G>T (p.Arg136Leu)

Gene: GTPBP3 (GTP binding protein 3, mitochondrial; plus strand). Cytogenetic location: 19p13.11.
Variant type: single nucleotide variant.
Coding change: c.407G>T on transcript NM_032620.4 (MANE Select); coding-DNA position 407, G replaced by T.
Protein change: p.Arg136Leu; replaces arginine 136 with leucine.
Molecular consequence: missense variant.
Genome position (GRCh38, 1-based): chr19:17,338,557, G>T. VCF-style: chr19-17338557-G-T. GRCh37 (hg19) VCF-style: chr19-17449366-G-T.
Other names: c.407G>T, p.Arg136Leu (NM_001128855.3, NM_133644.4); c.473G>T, p.Arg158Leu (NM_001195422.1); short protein forms R158L, R136L.
Identifiers: ClinVar variation 1917816 (VCV001917816.2), dbSNP rs376384130, ClinGen allele CA9293349.